The following is an entry in ClinVar:

ClinVar aggregate classification (germline): Likely pathogenic (1 of 4 stars; one submission).

Conditions:
Autosomal recessive limb-girdle muscular dystrophy type 2J (LGMDR10). Also called: Limb-girdle muscular dystrophy, type 2J; MUSCULAR DYSTROPHY, LIMB-GIRDLE, AUTOSOMAL RECESSIVE 10. Identifiers: Orphanet 140922, MedGen C1837342, MONDO:0012127, OMIM 608807.
Dilated cardiomyopathy 1G (CMD1G). Identifiers: Orphanet 154, MedGen C1858763, MONDO:0011400, OMIM 604145.

Submission:

Labcorp Genetics (formerly Invitae), Labcorp
Classification: Likely pathogenic for Dilated cardiomyopathy 1G; Autosomal recessive limb-girdle muscular dystrophy type 2J. Last evaluated: 2024-10-28. Review status: criteria provided, single submitter. Criteria: Invitae Variant Classification Sherloc (09022015). Collection method: clinical testing. Allele origin: germline.
Comment: This sequence change creates a premature translational stop signal (p.Glu10200*) in the TTN gene. While this is not anticipated to result in nonsense mediated decay, it is expected to create a truncated TTN protein. This variant is not present in population databases (gnomAD no frequency). This variant has not been reported in the literature in individuals affected with TTN-related conditions. ClinVar contains an entry for this variant (Variation ID: 2166097). Algorithms developed to predict the effect of sequence changes on RNA splicing suggest that this variant may disrupt the consensus splice site. This variant is located in the I band of TTN (PMID: 25589632). Truncating variants in this region have been reported in individuals affected with autosomal recessive centronuclear myopathy (PMID: 23975875, internal data). Truncating variants in this region have also been identified in individuals affected with autosomal dominant dilated cardiomyopathy and/or cardio-related conditions (PMID: 27869827, 32964742, internal data). In summary, the currently available evidence indicates that the variant is pathogenic, but additional data are needed to prove that conclusively. Therefore, this variant has been classified as Likely Pathogenic.

Literature cited by the submitters: PubMed 25589632; PubMed 23975875; PubMed 27869827; PubMed 32964742.

NM_001267550.2(TTN):c.30598G>T (p.Glu10200Ter)

Gene: TTN (titin; minus strand). Cytogenetic location: 2q31.2.
Variant type: single nucleotide variant.
Coding change: c.30598G>T on transcript NM_001267550.2 (MANE Select); coding-DNA position 30598, G replaced by T.
Protein change: p.Glu10200Ter; replaces glutamic acid 10200 with a stop codon.
Molecular consequence: nonsense. On other transcripts: intron variant (3).
Genome position (GRCh38, 1-based): chr2:178,701,528, C>A on the plus strand (G>T on the coding strand, the complement: TTN is on the minus strand). VCF-style: chr2-178701528-C-A. GRCh37 (hg19) VCF-style: chr2-179566255-C-A.
Other names: c.29647G>T, p.Glu9883Ter (NM_001256850.1); c.26866G>T, p.Glu8956Ter (NM_133378.4); c.13282+36554G>T (NM_003319.4); c.13858+36554G>T (NM_133437.4); c.13657+36554G>T (NM_133432.3); short protein forms E10200*, E8956*, E9883*.
Identifiers: ClinVar variation 2166097 (VCV002166097.3), dbSNP rs779015756, ClinGen allele CA349567733.